The following is an entry in ClinVar:

NM_001277115.2(DNAH11):c.12499C>G (p.Pro4167Ala)

Gene: DNAH11 (dynein axonemal heavy chain 11; plus strand). Cytogenetic location: 7p15.3.
Variant type: single nucleotide variant.
Coding change: c.12499C>G on transcript NM_001277115.2 (MANE Select); coding-DNA position 12499, C replaced by G.
Protein change: p.Pro4167Ala; replaces proline 4167 with alanine.
Molecular consequence: missense variant.
Genome position (GRCh38, 1-based): chr7:21,884,402, C>G. VCF-style: chr7-21884402-C-G. GRCh37 (hg19) VCF-style: chr7-21924020-C-G.
Other names: c.12520C>G, p.Pro4174Ala (NM_003777.3); short protein forms P4174A, P4167A.
Identifiers: ClinVar variation 1983239 (VCV001983239.3), dbSNP rs763179225, ClinGen allele CA4183093.

ClinVar aggregate classification (germline): Uncertain significance (1 of 4 stars; one submission).

Conditions:
Primary ciliary dyskinesia. Also called: Ciliary dyskinesia. Identifiers: Orphanet 244, MedGen C0008780, MONDO:0016575, HP:0012265.

Allele frequency attached by ClinVar (database versions not stated): ExAC 0.00002.

Submission:

Labcorp Genetics (formerly Invitae), Labcorp
Classification: Uncertain significance for Primary ciliary dyskinesia. Last evaluated: 2024-04-04. Review status: criteria provided, single submitter. Criteria: Invitae Variant Classification Sherloc (09022015). Collection method: clinical testing. Allele origin: germline.
Comment: This sequence change replaces proline, which is neutral and non-polar, with alanine, which is neutral and non-polar, at codon 4167 of the DNAH11 protein (p.Pro4167Ala). This variant is present in population databases (rs763179225, gnomAD 0.006%). This variant has not been reported in the literature in individuals affected with DNAH11-related conditions. ClinVar contains an entry for this variant (Variation ID: 1983239). Advanced modeling of protein sequence and biophysical properties (such as structural, functional, and spatial information, amino acid conservation, physicochemical variation, residue mobility, and thermodynamic stability) performed at Invitae indicates that this missense variant is not expected to disrupt DNAH11 protein function with a negative predictive value of 95%. In summary, the available evidence is currently insufficient to determine the role of this variant in disease. Therefore, it has been classified as a Variant of Uncertain Significance.